The following is an entry in ClinVar:

ClinVar aggregate classification (germline): Uncertain significance (1 of 4 stars; one submission).

gnomAD v4.1: 2 of 1,613,788 alleles (0.00012%); highest among the groups gnomAD compares: Non-Finnish European, 0.00017%; no homozygotes.

Submission:

GeneDx
Classification: Uncertain significance. Last evaluated: 2024-04-09. Review status: criteria provided, single submitter. Criteria: GeneDx Variant Classification Process June 2021. Collection method: clinical testing. Allele origin: germline. Affected: yes.
Comment: Not observed at significant frequency in large population cohorts (gnomAD); Nonsense variant predicted to result in protein truncation or nonsense mediated decay in a gene for which loss-of-function is not a known mechanism of disease; Has not been previously published as pathogenic or benign to our knowledge

NM_004958.4(MTOR):c.7102C>T (p.Arg2368Ter)

Gene: MTOR (mechanistic target of rapamycin kinase; minus strand). Cytogenetic location: 1p36.22.
Variant type: single nucleotide variant.
Coding change: c.7102C>T on transcript NM_004958.4 (MANE Select); coding-DNA position 7102, C replaced by T.
Protein change: p.Arg2368Ter; replaces arginine 2368 with a stop codon.
Molecular consequence: nonsense.
Genome position (GRCh38, 1-based): chr1:11,114,875, G>A on the plus strand (C>T on the coding strand, the complement: MTOR is on the minus strand). VCF-style: chr1-11114875-G-A. GRCh37 (hg19) VCF-style: chr1-11174932-G-A.
Other names: c.7102C>T, p.Arg2368Ter (NM_001386500.1); c.5854C>T, p.Arg1952Ter (NM_001386501.1); short protein forms R1952*, R2368*.
Identifiers: ClinVar variation 3372151 (VCV003372151.1).